The following is an entry in ClinVar:

ClinVar aggregate classification (germline): Pathogenic. Review status: criteria provided, multiple submitters, no conflicts (2 of 4 stars). 18 submissions from 16 submitters: Pathogenic (16). 2 of the submissions do not count toward it. Last evaluated 2026-08-06.

Conditions:
Adult onset hereditary spastic paraplegia.
Adult onset neurodegenerative disorder.
MAPT-related disorder. Also called: MAPT-Related Disorders; MAPT-related condition.
Mental deterioration. Also called: Cognitive decline. Identifiers: MedGen C0234985, HP:0001268.
Memory impairment. Identifiers: MedGen C0233794, HP:0002354.
Frontotemporal dementia (FTD1). Also called: WILHELMSEN-LYNCH DISEASE; FRONTOTEMPORAL DEMENTIA WITH PARKINSONISM; FRONTOTEMPORAL LOBE DEMENTIA; MULTIPLE SYSTEM TAUOPATHY WITH PRESENILE DEMENTIA; FRONTOTEMPORAL LOBAR DEGENERATION WITH TAU INCLUSIONS; FTLD WITH TAU INCLUSIONS. Identifiers: Orphanet 282, MedGen C0338451, MONDO:0017276, OMIM 600274, HP:0002145.
Progressive supranuclear palsy-parkinsonism syndrome. Also called: PARKINSON-DEMENTIA SYNDROME; Supranuclear palsy, progressive, 1, atypical; Progressive supranuclear palsy atypical; Atypical PSP. Identifiers: Orphanet 240085, Orphanet 683, Orphanet 99750, MedGen C1850077, MONDO:0009839, OMIM 260540.
Dementia. Identifiers: MedGen C0497327, MONDO:0001627, HP:0000726.

Allele frequency attached by ClinVar (database versions not stated): TOPMed below 0.00001; gnomAD exomes 0.00001.
gnomAD v4.1: 10 of 1,524,646 alleles (0.00066%); highest among the groups gnomAD compares: Non-Finnish European, 0.0008%; no homozygotes.

Submissions 1 to 9 of 18:

NHS Central & South Genomic Laboratory Hub
Classification: Pathogenic for Adult onset hereditary spastic paraplegia. Last evaluated: 2026-08-06. Review status: criteria provided, single submitter. Criteria: ACMG Guidelines, 2015. Collection method: clinical testing. Allele origin: germline. Affected: yes.

Foundation for Research in Genetics and Endocrinology, FRIGE's Institute of Human Genetics
Classification: Pathogenic for Frontotemporal dementia. Last evaluated: 2026-06-02. Review status: criteria provided, single submitter. Criteria: ACMG Guidelines, 2015. Collection method: clinical testing. Allele origin: germline. Inheritance: Autosomal dominant inheritance. Affected: yes. Observed: 1 variant allele, 1 heterozygote.
Comment: A heterozygous variant in intron 10 of the MAPT gene was detected. The variant has not been reported in the 1000 genomes, gnomAD (v3.1) and gnomAD (v2.1) databases and has a minor allele frequency of 0.00038% in the topmed database. The reference region is conserved across species. In summary, the variant meets our criteria to be classified as pathogenic.

Labcorp Genetics (formerly Invitae), Labcorp
Classification: Pathogenic for Frontotemporal dementia. Last evaluated: 2026-01-19. Review status: criteria provided, single submitter. Criteria: Invitae Variant Classification Sherloc (09022015). Collection method: clinical testing. Allele origin: germline.
Comment: This sequence change falls in intron 9 of the MAPT gene. It does not directly change the encoded amino acid sequence of the MAPT protein. This variant is not present in population databases (gnomAD no frequency). This variant has been observed in individual(s) with frontotemporal dementia (PMID: 9641683, 11708988, 11912108, 11971081, 17923640, 19365643, 19766248, 19786698, 20045477, 28097206). It is commonly reported in individuals of Welsh ancestry (PMID: 19365643). This variant is also known as IVS10+16C>T or 10+16C>T. ClinVar contains an entry for this variant (Variation ID: 98222). Algorithms developed to predict the effect of variants on gene product structure and function are not available or were not evaluated for this variant. Experimental studies have shown that this variant affects MAPT function (PMID: 9641683, 10329720, 19914360, 23680655, 26136155). Algorithms developed to predict the effect of sequence changes on RNA splicing suggest that this variant is not likely to affect RNA splicing. For these reasons, this variant has been classified as Pathogenic.

GeneDx
Classification: Pathogenic. Last evaluated: 2025-07-24. Review status: criteria provided, single submitter. Criteria: GeneDx Variant Classification Process June 2021. Collection method: clinical testing. Allele origin: germline. Affected: yes.
Comment: Published functional studies demonstrate that this variant leads to aberrant splicing of exon 10 (PMID: 23680655, 9641683); In silico analysis indicates that this variant does not alter splicing; Not observed at significant frequency in large population cohorts (gnomAD); This variant is associated with the following publications: (PMID: 19365643, 27905268, 23885714, 10443890, 7783864, 8940276, 19914360, 26136155, 27082848, 28097206, 29253099, 29930232, 11402146, 25683866, 20045477, 19786698, 18525295, 14755449, 11708988, 11641718, 10446810, 10202939, 9392579, 9088499, 7936288, 11255441, 31031559, 31537715, 9641683, 19884572, 12847166, 15372253, 17923640, 19766248, 11971081, 11971082, 11912108, 31810826, 32804255, 31914217, 10329720, 34561610, 34158384, 37431188, 35790423, 34099697, 23680655, 27594586)

PreventionGenetics, part of Exact Sciences
Classification: Pathogenic for MAPT-related condition. Last evaluated: 2025-07-21. Review status: criteria provided, single submitter. Criteria: ACMG Guidelines, 2015. Collection method: clinical testing. Allele origin: germline.
Comment: The MAPT c.1920+16C>T variant is predicted to interfere with splicing. This variant has been reported to be causative for frontotemporal dementia and results in altered splicing based on functional studies (Hutton et al. 1998. PubMed ID: 9641683; Umeda et al. 2013. PubMed ID: 23680655; Wang et al. 2010. PubMed ID: 19914360; Heutink. 2000. PubMed ID: 10767321; Sposito et al. 2015. PubMed ID: 26136155). This variant has not been reported in a large population database (gnomAD), indicating this variant is rare. It is consistently classified as pathogenic in ClinVar. This variant is interpreted as pathogenic.

Victorian Clinical Genetics Services, Murdoch Childrens Research Institute
Classification: Pathogenic for Frontotemporal dementia. Last evaluated: 2025-07-14. Review status: criteria provided, single submitter. Criteria: ACMG Guidelines, 2015. Collection method: clinical testing. Allele origin: germline.
Comment: This variant is classified as Pathogenic. Evidence in support of pathogenic classification: Non-coding variant with known effect. This variant affects the stability of the stem-loop structure within intron 11 resulting in aberrant splicing and increased incorporation of exon 11 (also known as exon 10 in the literature) of MAPT mRNA. The ratio of both isoforms is crucial for proper protein function (PMID: 10329720, 15950767); Variant is present in gnomAD <0.001 for a dominant condition (v4: 10 heterozygote(s), 0 homozygote(s)) ; This variant has strong previous evidence of pathogenicity in unrelated individuals. In an international retrospective study of frontotemporal dementia patients, this variant has been reported in 149 individuals from 48 families (PMID: 31810826). Additional information: This gene is associated with autosomal dominant disease; Loss of function and gain of function are known mechanisms of disease in this gene and are associated with frontotemporal dementia, with or without parkinsonism (MIM#600274), Pick disease (MIM#172700) and progressive supranuclear palsy (MIM#601104); Variants in this gene are known to have variable expressivity. Interfamilial and intrafamilial phenotypic heterogeneity have been described (PMID: 23727082).

Women's Health and Genetics/Laboratory Corporation of America, LabCorp
Classification: Pathogenic for MAPT-Related Disorders. Last evaluated: 2025-05-02. Review status: criteria provided, single submitter. Criteria: LabCorp Variant Classification Summary - May 2015. Collection method: clinical testing. Allele origin: germline.
Comment: Variant summary: MAPT c.915+16C>T alters a nucleotide located at a position not widely known to affect splicing. Consensus agreement among computation tools predict no significant impact on normal splicing. However, at least two publications report experimental evidence that this variant affects mRNA splicing (Hutton_1998, Umeda_2013). The variant was absent in 168100 control chromosomes (gnomAD). c.915+16C>T has been observed in multiple individuals affected with clinical features of MAPT-Related Disorders (Hutton_1998, Colombo_2009) and this variant co-segregated with the disease (Hutton_1998, Colombo_2009). These data indicate that the variant is very likely to be associated with disease. At least one publication reports experimental evidence evaluating an impact on protein function and this variant affected the MAPT protein function (Umeda_2013). The following publications have been ascertained in the context of this evaluation (PMID: 19365643, 9641683, 23680655). ClinVar contains an entry for this variant (Variation ID: 98222). Based on the evidence outlined above, the variant was classified as pathogenic.

Cambridge Genomics Laboratory, East Genomic Laboratory Hub, NHS Genomic Medicine Service
Classification: Pathogenic for Adult onset neurodegenerative disorder. Last evaluated: 2023-12-06. Review status: criteria provided, single submitter. Criteria: ACGS Best Practice Guidelines for Variant Classification in Rare Disease 2020. Collection method: clinical testing. Allele origin: germline. Affected: yes.
Comment: The c.915+16C>T variant is novel (not in any individuals) in gnomAD All. The c.915+16C>T variant is novel (not in any individuals) in 1kG All. The c.915+16C>T variant is novel (not in any individuals) in gnomAD Genomes v3 All. (PM2 - Moderate) | Functional studies demonstrate that this variant has a damaging effect on the gene or gene product (PS3 - Strong) | The variant cosegregates with the disease in multiple affected family members. (PP1_Strong - Strong)

Mayo Clinic Laboratories, Mayo Clinic
Classification: Pathogenic. Last evaluated: 2023-06-16. Review status: criteria provided, single submitter. Criteria: ACMG Guidelines, 2015. Collection method: clinical testing. Allele origin: germline. Observed: 2 variant alleles.
Comment: BP4, BP7, PM2

NM_001377265.1(MAPT):c.2091+16C>T

Gene: MAPT (microtubule associated protein tau). Cytogenetic location: 17q21.31.
Variant type: single nucleotide variant.
Coding change: c.2091+16C>T on transcript NM_001377265.1 (MANE Select); 16 bases into the intron after coding-DNA position 2091, C replaced by T.
Molecular consequence: intron variant.
Genome position (GRCh38, 1-based): chr17:46,010,418, C>T. VCF-style: chr17-46010418-C-T. GRCh37 (hg19) VCF-style: chr17-44087784-C-T.
Other names: p.?; IVS10, C-T, +16; c.649-3825C>T (NM_001377268.1, NM_016841.5); c.1920+16C>T (NM_001123066.4); c.1866+16C>T (NM_016835.5, NM_016835.4); c.915+16C>T (NM_005910.6); c.823-3825C>T (NM_001203252.2); c.1801-3825C>T (NM_001377266.1); and 3 more.
Identifiers: ClinVar variation 98222 (VCV000098222.34), dbSNP rs63751011, ClinGen allele CA225465.